The following is an entry in ClinVar:

NC_000007.13:g.(?_117120078)_(117120202_117144306)dup

Gene: CFTR (CF transmembrane conductance regulator; plus strand). Cytogenetic location: 7q31.2.
Variant type: Duplication.
Identifiers: ClinVar variation 2682307 (VCV002682307.2).

ClinVar aggregate classification (germline): Uncertain significance (1 of 4 stars; one submission).

Submission:

Women's Health and Genetics/Laboratory Corporation of America, LabCorp
Classification: Uncertain significance. Last evaluated: 2024-12-12. Review status: criteria provided, single submitter. Criteria: LabCorp Variant Classification Summary - May 2015. Collection method: clinical testing. Allele origin: germline.
Comment: Variant summary: The variant involves the duplication of exon 1 in the CFTR gene. The exact breakpoint at the 5' end of this variant is unknown, therefore this duplication may extend upstream of the annotated region of this gene. It is predicted to duplicate a segment including the initiation codon, therefore its impact on the encoded protein is unknown. A presumed nomenclature of c.(?_-71)_(53+1_54-1)dup has been designated for the purposes of this classification. The variant was absent in 21694 control chromosomes (gnomAD). The available data on variant occurrences in the general population are insufficient to allow any conclusion about variant significance. To our knowledge, no occurrence of c.(?_-71)_(53+1_54-1)dup in individuals affected with Cystic Fibrosis and no experimental evidence demonstrating its impact on protein function have been reported. No submitters have cited clinical-significance assessments for this variant to ClinVar. Based on the evidence outlined above, the variant was classified as uncertain significance.